The following is an entry in ClinVar:

NM_000038.6(APC):c.6700C>G (p.Pro2234Ala)

Gene: APC (APC regulator of Wnt signaling pathway; plus strand). Cytogenetic location: 5q22.2.
Variant type: single nucleotide variant.
Coding change: c.6700C>G on transcript NM_000038.6 (MANE Select); coding-DNA position 6700, C replaced by G.
Protein change: p.Pro2234Ala; replaces proline 2234 with alanine.
Molecular consequence: missense variant.
Genome position (GRCh38, 1-based): chr5:112,842,294, C>G. VCF-style: chr5-112842294-C-G. GRCh37 (hg19) VCF-style: chr5-112177991-C-G.
Other names: c.6700C>G, p.Pro2234Ala (NM_001127510.3, NM_001354895.2); c.6646C>G, p.Pro2216Ala (NM_001127511.3); c.6754C>G, p.Pro2252Ala (NM_001354896.2); c.6730C>G, p.Pro2244Ala (NM_001354897.2); c.6625C>G, p.Pro2209Ala (NM_001354898.2); c.6616C>G, p.Pro2206Ala (NM_001354899.2); c.6577C>G, p.Pro2193Ala (NM_001354900.2); c.6523C>G, p.Pro2175Ala (NM_001354901.2); and 5 more; short protein forms P2216A, P2234A, P2074A, P2206A, P2252A, P1951A, P2108A, P2193A.
Identifiers: ClinVar variation 482276 (VCV000482276.24), dbSNP rs749507584, ClinGen allele CA045843.

ClinVar aggregate classification (germline): Uncertain significance. Review status: criteria provided, multiple submitters, no conflicts (2 of 4 stars). 5 submissions from 5 submitters: Uncertain significance (5). Last evaluated 2025-06-24.

Conditions:
Classic or attenuated familial adenomatous polyposis. Identifiers: MedGen CN372698, MONDO:0021057.
Hereditary cancer-predisposing syndrome. Also called: Neoplastic Syndromes, Hereditary; Tumor predisposition; Hereditary Cancer Syndrome; Hereditary neoplastic syndrome. Identifiers: Orphanet 140162, MedGen C0027672, MeSH D009386, MONDO:0015356.
Familial adenomatous polyposis 1 (FAP1). Also called: FAMILIAL ADENOMATOUS POLYPOSIS 1, ATTENUATED; POLYPOSIS, ADENOMATOUS INTESTINAL. Identifiers: MedGen C2713442, MONDO:0021056, OMIM 175100. Disease mechanism: loss of function.

Allele frequency attached by ClinVar (database versions not stated): ExAC 0.00001; TOPMed 0.00001.

Submissions (5):

Labcorp Genetics (formerly Invitae), Labcorp
Classification: Uncertain significance for Familial adenomatous polyposis 1. Last evaluated: 2025-06-24. Review status: criteria provided, single submitter. Criteria: Invitae Variant Classification Sherloc (09022015). Collection method: clinical testing. Allele origin: germline.
Comment: This sequence change replaces proline, which is neutral and non-polar, with alanine, which is neutral and non-polar, at codon 2234 of the APC protein (p.Pro2234Ala). This variant is present in population databases (rs749507584, gnomAD 0.003%). This variant has not been reported in the literature in individuals affected with APC-related conditions. ClinVar contains an entry for this variant (Variation ID: 482276). Invitae Evidence Modeling of protein sequence and biophysical properties (such as structural, functional, and spatial information, amino acid conservation, physicochemical variation, residue mobility, and thermodynamic stability) indicates that this missense variant is not expected to disrupt APC protein function with a negative predictive value of 95%. In summary, the available evidence is currently insufficient to determine the role of this variant in disease. Therefore, it has been classified as a Variant of Uncertain Significance.

Ambry Genetics
Classification: Uncertain significance for Hereditary cancer-predisposing syndrome. Last evaluated: 2024-06-07. Review status: criteria provided, single submitter. Criteria: Ambry Variant Classification Scheme 2023. Collection method: clinical testing. Allele origin: germline.
Comment: The p.P2234A variant (also known as c.6700C>G), located in coding exon 15 of the APC gene, results from a C to G substitution at nucleotide position 6700. The proline at codon 2234 is replaced by alanine, an amino acid with highly similar properties. This variant was identified in a cohort of 681 ancestrally diverse, healthy subjects (Bodian DL et al. PLoS One, 2014 Apr;9:e94554). This amino acid position is highly conserved in available vertebrate species. In addition, in silico predictors for this gene do not accurately predict pathogenicity. Since supporting evidence is limited at this time, the clinical significance of this alteration remains unclear.

Baylor Genetics
Classification: Uncertain significance for Familial adenomatous polyposis 1. Last evaluated: 2024-02-07. Review status: criteria provided, single submitter. Criteria: ACMG Guidelines, 2015. Collection method: clinical testing. Allele origin: unknown.

All of Us Research Program, National Institutes of Health
Classification: Uncertain significance for Classic or attenuated familial adenomatous polyposis. Last evaluated: 2023-12-01. Review status: criteria provided, single submitter. Criteria: ACMG Guidelines, 2015. Collection method: clinical testing. Allele origin: germline. Inheritance: Autosomal dominant inheritance. Observed: 1 variant allele, 1 heterozygote.
Comment: This missense variant replaces proline with alanine at codon 2234 of the APC protein. Computational prediction is inconclusive regarding the impact of this variant on protein structure and function (internally defined REVEL score threshold 0.5 < inconclusive < 0.7, PMID: 27666373). To our knowledge, functional studies have not been reported for this variant. This variant has not been reported in individuals affected with hereditary cancer in the literature. This variant has been identified in 1/250468 chromosomes in the general population by the Genome Aggregation Database (gnomAD) and in a healthy individual (PMID: 24728327). The available evidence is insufficient to determine the role of this variant in disease conclusively. Therefore, this variant is classified as a Variant of Uncertain Significance.

This study involves interpretation of variants in research participants for the purpose of population health screening. Participant phenotype was not available at the time of variant classification. Additional details can be found in publication PMID: 35346344, PMCID: PMC8962531

Color Diagnostics, LLC DBA Color Health
Classification: Uncertain significance for Hereditary cancer-predisposing syndrome. Last evaluated: 2023-03-16. Review status: criteria provided, single submitter. Criteria: ACMG Guidelines, 2015. Collection method: clinical testing. Allele origin: germline.
Comment: This missense variant replaces proline with alanine at codon 2234 of the APC protein. Computational prediction is inconclusive regarding the impact of this variant on protein structure and function (internally defined REVEL score threshold 0.5 < inconclusive < 0.7, PMID: 27666373). To our knowledge, functional studies have not been reported for this variant. This variant has not been reported in individuals affected with APC-related disorders in the literature. This variant has been identified in 1/250468 chromosomes in the general population by the Genome Aggregation Database (gnomAD). The available evidence is insufficient to determine the role of this variant in disease conclusively. Therefore, this variant is classified as a Variant of Uncertain Significance.

Literature cited by the submitters: PubMed 24728327 (cited by Ambry Genetics and All of Us Research Program, National Institutes of Health).